The following is an entry in ClinVar:

ClinVar aggregate classification (germline): Pathogenic/Likely pathogenic. Review status: criteria provided, multiple submitters, no conflicts (2 of 4 stars). 8 submissions from 8 submitters: Pathogenic (2); Likely pathogenic (5). 1 of the submissions does not count toward it. Last evaluated 2025-11-07.

Conditions:
Spastic ataxia. Identifiers: Orphanet 316226, MedGen C1849156, MONDO:0017845, HP:0002497.
Galactosylceramide beta-galactosidase deficiency. Also called: GALACTOCEREBROSIDASE DEFICIENCY; GALC DEFICIENCY; GLOBOID CELL LEUKOENCEPHALOPATHY; Leukodystrophy, Globoid Cell; Krabbe Disease. Identifiers: Orphanet 487, MedGen C0023521, MONDO:0009499, OMIM 245200.

Allele frequency attached by ClinVar (database versions not stated): gnomAD exomes below 0.00001 and 0.00001; gnomAD 0.00001; TOPMed 0.00001.
gnomAD v4.1: 7 of 1,613,388 alleles (0.00043%); highest among the groups gnomAD compares: Non-Finnish European, 0.00051%; no homozygotes.

Submissions (8):

Natera, Inc.
Classification: Likely pathogenic for Galactosylceramide beta-galactosidase deficiency. Last evaluated: 2025-11-07. Review status: criteria provided, single submitter. Criteria: Natera Variant Classification Schema (03/2026). Collection method: clinical testing. Allele origin: germline.
Comment: The c.673G>A variant in GALC is a missense variant predicted to cause substitution of alanine to threonine at amino acid 225. This variant is rare in the general population with a frequency below the threshold expected for the associated phenotype(s). This variant has been observed in one or more individuals affected with the associated recessive disease, as either homozygous or compound heterozygous with a second variant (PMID: 32576985). Functional studies show that this variant may disrupt protein function (PMID: 27638593). A different variant at the same position has been determined to be Pathogenic or Likely Pathogenic. Computational prediction algorithms indicate this variant is likely to affect gene or protein function. Given the available evidence, this variant is classified as Likely Pathogenic.

Labcorp Genetics (formerly Invitae), Labcorp
Classification: Pathogenic for Galactosylceramide beta-galactosidase deficiency. Last evaluated: 2025-10-27. Review status: criteria provided, single submitter. Criteria: Invitae Variant Classification Sherloc (09022015). Collection method: clinical testing. Allele origin: germline.
Comment: This sequence change replaces alanine, which is neutral and non-polar, with threonine, which is neutral and polar, at codon 225 of the GALC protein (p.Ala225Thr). This variant is present in population databases (no rsID available, gnomAD 0.002%). This missense change has been observed in individual(s) with clinical features of Krabbe disease (PMID: 26795590, 27638593; internal data). In at least one individual the data is consistent with being in trans (on the opposite chromosome) from a pathogenic variant. ClinVar contains an entry for this variant (Variation ID: 915993). Invitae Evidence Modeling of protein sequence and biophysical properties (such as structural, functional, and spatial information, amino acid conservation, physicochemical variation, residue mobility, and thermodynamic stability) indicates that this missense variant is expected to disrupt GALC protein function with a positive predictive value of 95%. Experimental studies have shown that this missense change affects GALC function (PMID: 26795590). This variant disrupts the p.Ala225 amino acid residue in GALC. Other variant(s) that disrupt this residue have been determined to be pathogenic (PMID: 26795590, 30777126; internal data). This suggests that this residue is clinically significant, and that variants that disrupt this residue are likely to be disease-causing. For these reasons, this variant has been classified as Pathogenic.

Fulgent Genetics
Classification: Likely pathogenic for Galactosylceramide beta-galactosidase deficiency. Last evaluated: 2024-05-09. Review status: criteria provided, single submitter. Criteria: ACMG Guidelines, 2015. Collection method: clinical testing. Allele origin: germline.

Women's Health and Genetics/Laboratory Corporation of America, LabCorp
Classification: Likely pathogenic for Galactosylceramide beta-galactosidase deficiency. Last evaluated: 2023-02-13. Review status: criteria provided, single submitter. Criteria: LabCorp Variant Classification Summary - May 2015. Collection method: clinical testing. Allele origin: germline.
Comment: Variant summary: GALC c.673G>A (p.Ala225Thr) results in a non-conservative amino acid change in the encoded protein sequence. Five of five in-silico tools predict a damaging effect of the variant on protein function. The variant allele was found at a frequency of 8e-06 in 249302 control chromosomes (gnomAD). c.673G>A has been reported in the literature in individuals affected with Krabbe Disease and was detected in infants with low GALC activity following newborn screening (e.g. Orsini_2016, Saavedra-Martiz_2016, Machado_2021). These data indicate that the variant may be associated with disease. Experimental evidence evaluating an impact on protein function demonstrated the variant to result in decreased GALC activity (Saavedra-Martiz_2016). Five clinical diagnostic laboratories have submitted clinical-significance assessments for this variant to ClinVar after 2014, and classified the variant as pathogenic/likely pathogenic (n=4) and as uncertain significance (n=1). Based on the evidence outlined above, the variant was classified as likely pathogenic.

Molecular Medicine for Neurodegenerative and Neuromuscular Diseases Unit, IRCCS Fondazione Stella Maris
Classification: Pathogenic for Spastic ataxia. Last evaluated: 2021-07-12. Review status: criteria provided, single submitter. Criteria: ACMG Guidelines, 2015. Collection method: research. Allele origin: unknown. Affected: yes.

Department of Molecular and Human Genetics, Baylor College of Medicine
Classification: Likely pathogenic for Galactosylceramide beta-galactosidase deficiency. Last evaluated: 2020-04-16. Review status: criteria provided, single submitter. Criteria: ACMG Guidelines, 2015. Collection method: clinical testing. Allele origin: inherited. Affected: yes. Observed: 1 heterozygote.

Mayo Clinic Laboratories, Mayo Clinic
Classification: Likely pathogenic. Last evaluated: 2019-11-03. Review status: criteria provided, single submitter. Criteria: ACMG Guidelines, 2015. Collection method: clinical testing. Allele origin: germline. Observed: 1 variant allele.
Comment: PS3, PM2, PM5

Baylor Genetics
Classification: Uncertain significance for Galactosylceramide beta-galactosidase deficiency. Review status: flagged submission. Criteria: ACMG Guidelines, 2015. Collection method: clinical testing. Allele origin: unknown. Not counted in ClinVar's aggregate classification.
ClinVar note: Reason: Outlier claim with insufficient supporting evidence

Literature cited by the submitters: PubMed 32576985 (cited by Natera, Inc. and Department of Molecular and Human Genetics, Baylor College of Medicine); PubMed 27638593 (cited by 4 submitters); PubMed 26795590 (cited by 3 submitters); PubMed 30777126 (cited by Labcorp Genetics (formerly Invitae), Labcorp); PubMed 34445196 (cited by Women's Health and Genetics/Laboratory Corporation of America, LabCorp).

NM_000153.4(GALC):c.673G>A (p.Ala225Thr)

Gene: GALC (galactosylceramidase; minus strand). Cytogenetic location: 14q31.3.
Variant type: single nucleotide variant.
Coding change: c.673G>A on transcript NM_000153.4 (MANE Select); coding-DNA position 673, G replaced by A.
Protein change: p.Ala225Thr; replaces alanine 225 with threonine.
Molecular consequence: missense variant.
Genome position (GRCh38, 1-based): chr14:87,976,437, C>T on the plus strand (G>A on the coding strand, the complement: GALC is on the minus strand). VCF-style: chr14-87976437-C-T. GRCh37 (hg19) VCF-style: chr14-88442781-C-T.
Other names: c.604G>A, p.Ala202Thr (NM_001201401.2); c.595G>A, p.Ala199Thr (NM_001201402.2); short protein forms A199T, A202T, A225T.
Identifiers: ClinVar variation 915993 (VCV000915993.19), dbSNP rs1436074042, ClinGen allele CA390749592.